The following is an entry in ClinVar:

NM_000179.3(MSH6):c.627+1200T>C

Gene: MSH6 (mutS homolog 6; plus strand). Cytogenetic location: 2p16.3.
Variant type: single nucleotide variant.
Coding change: c.627+1200T>C on transcript NM_000179.3 (MANE Select); 1200 bases into the intron after coding-DNA position 627, T replaced by C.
Molecular consequence: intron variant.
Genome position (GRCh38, 1-based): chr2:47,797,263, T>C. VCF-style: chr2-47797263-T-C. GRCh37 (hg19) VCF-style: chr2-48024402-T-C.
Other names: c.-279-1348T>C (NM_001281493.2); c.238-1348T>C (NM_001281492.2); c.-276+1200T>C (NM_001281494.2).
Identifiers: ClinVar variation 89542 (VCV000089542.3), dbSNP rs3136326, ClinGen allele CA016009.

ClinVar aggregate classification (germline): Benign (3 of 4 stars; one submission).

Conditions:
Lynch syndrome. Identifiers: Orphanet 144, MedGen C4552100, MONDO:0005835. Disease mechanism: loss of function.

Allele frequency attached by ClinVar (database versions not stated): 1000 Genomes Project 30x 0.03014; TOPMed 0.06384; gnomAD 0.07480 and 0.07750; 1000 Genomes Project 0.02975.
gnomAD v4.1: 11,360 of 152,306 alleles (7.5%); highest among the groups gnomAD compares: Non-Finnish European, 11%; 593 homozygotes.

Submission:

International Society for Gastrointestinal Hereditary Tumours (InSiGHT)
Classification: Benign for Lynch Syndrome. Last evaluated: 2013-09-05. Review status: reviewed by expert panel. Criteria: Guidelines v1.9. Collection method: research. Allele origin: germline.
Comment: MAF >1%

Classified with v1.9 guidelines
ClinVar note: Converted during submission from no known pathogenicity to Benign.